The following is an entry in ClinVar:

NM_002474.3(MYH11):c.3542A>C (p.Lys1181Thr)

Gene: MYH11 (myosin heavy chain 11; minus strand). Cytogenetic location: 16p13.11.
Variant type: single nucleotide variant.
Coding change: c.3542A>C on transcript NM_002474.3 (MANE Select); coding-DNA position 3542, A replaced by C.
Protein change: p.Lys1181Thr; replaces lysine 1181 with threonine.
Molecular consequence: missense variant.
Genome position (GRCh38, 1-based): chr16:15,732,673, T>G on the plus strand (A>C on the coding strand, the complement: MYH11 is on the minus strand). VCF-style: chr16-15732673-T-G. GRCh37 (hg19) VCF-style: chr16-15826530-T-G.
Other names: c.3563A>C, p.Lys1188Thr (NM_001040113.2, NM_001040114.2); c.3542A>C, p.Lys1181Thr (NM_022844.3); short protein forms K1188T, K1181T.
Identifiers: ClinVar variation 1732483 (VCV001732483.3), dbSNP rs756926040, ClinGen allele CA7921961.
Genomic context (GRCh38, chr16:15,732,673, plus strand): 5'-TGTTTCTGCCTCATCTCCTGGACCTGAGCCTCATGGGACCGCGTCTCTTCATCCAGGGCC[T>G]TCTTCAGCACCGTCACCTCCTGCTCCCTCTTGGCCCTTGGTGGGAGGAACACAGTGAATG-3'
Protein context (NP_002465.1, residues 1171-1191): KREQEVTVLK[Lys1181Thr]ALDEETRSHE

ClinVar aggregate classification (germline): Uncertain significance. Review status: criteria provided, multiple submitters, no conflicts (2 of 4 stars). 2 submissions from 2 submitters: Uncertain significance (2). Last evaluated 2023-12-13.

Conditions:
Familial thoracic aortic aneurysm and aortic dissection (TAAD). Also called: Thoracic aortic aneurysms and dissections. Identifiers: Orphanet 91387, MedGen C4707243, MONDO:0019625.

Allele frequency attached by ClinVar (database versions not stated): ExAC 0.00001; gnomAD 0.00001; gnomAD exomes 0.00001; TOPMed 0.00002.
gnomAD v4.1: 16 of 1,614,118 alleles (0.00099%); highest among the groups gnomAD compares: Admixed American, 0.02%; no homozygotes.

Submissions (2):

All of Us Research Program, National Institutes of Health
Classification: Uncertain significance for Familial thoracic aortic aneurysm and aortic dissection. Last evaluated: 2023-12-13. Review status: criteria provided, single submitter. Criteria: ACMG Guidelines, 2015. Collection method: clinical testing. Allele origin: germline. Inheritance: Autosomal dominant inheritance. Observed: 6 variant alleles, 6 heterozygotes.
Comment: This missense variant replaces lysine with threonine at codon 1188 of the MYH11 protein. Computational prediction is inconclusive regarding the impact of this variant on protein structure and function (internally defined REVEL score threshold 0.5 < inconclusive < 0.7, PMID: 27666373). To our knowledge, functional studies have not been reported for this variant. This variant has not been reported in individuals affected with MYH11-related disorders in the literature. This variant has been identified in 10/251448 chromosomes in the general population by the Genome Aggregation Database (gnomAD). The available evidence is insufficient to determine the role of this variant in disease conclusively. Therefore, this variant is classified as a Variant of Uncertain Significance.

This study involves interpretation of variants in research participants for the purpose of population health screening. Participant phenotype was not available at the time of variant classification. Additional details can be found in publication PMID: 35346344, PMCID: PMC8962531

Ambry Genetics
Classification: Uncertain significance for Familial thoracic aortic aneurysm and aortic dissection. Last evaluated: 2021-09-07. Review status: criteria provided, single submitter. Criteria: Ambry Variant Classification Scheme 2023. Collection method: clinical testing. Allele origin: germline.
Comment: The p.K1181T variant (also known as c.3542A>C), located in coding exon 26 of the MYH11 gene, results from an A to C substitution at nucleotide position 3542. The lysine at codon 1181 is replaced by threonine, an amino acid with similar properties. This amino acid position is conserved. In addition, the in silico prediction for this alteration is inconclusive. Since supporting evidence is limited at this time, the clinical significance of this alteration remains unclear.